The following is an entry in ClinVar:

ClinVar aggregate classification (germline): Benign/Likely benign. Review status: criteria provided, multiple submitters, no conflicts (2 of 4 stars). 6 submissions from 6 submitters: Benign (2); Likely benign (3). 1 of the submissions does not count toward it. Last evaluated 2026-06-01.

Conditions:
RERE-related disorder. Also called: RERE-related condition; RERE-Related Disorders. Identifiers: MedGen CN381537.
Neurodevelopmental disorder with or without anomalies of the brain, eye, or heart (NEDBEH). Identifiers: Orphanet 494344, MedGen C5567477, MONDO:0014857, OMIM 616975.

Allele frequency attached by ClinVar (database versions not stated): TOPMed 0.00011.

Submissions (6):

CeGaT Center for Human Genetics Tuebingen
Classification: Likely benign. Last evaluated: 2026-06-01. Review status: criteria provided, single submitter. Criteria: CeGaT Center For Human Genetics Tuebingen Variant Classification Criteria Version 2. Collection method: clinical testing. Allele origin: germline. Affected: yes. Observed: 13 variant alleles.
Comment: RERE: PM4, BS1

Labcorp Genetics (formerly Invitae), Labcorp
Classification: Benign. Last evaluated: 2026-01-21. Review status: criteria provided, single submitter. Criteria: Invitae Variant Classification Sherloc (09022015). Collection method: clinical testing. Allele origin: germline.

Blueprint Genetics
Classification: Likely benign. Last evaluated: 2024-11-19. Review status: criteria provided, single submitter. Criteria: ACMG Guidelines, 2015. Collection method: clinical testing. Allele origin: germline.

Department of Pathology and Laboratory Medicine, Sinai Health System
Classification: Benign for Neurodevelopmental disorder with or without anomalies of the brain, eye, or heart. Last evaluated: 2022-01-06. Review status: criteria provided, single submitter. Criteria: ACMG Guidelines, 2015. Collection method: research. Allele origin: germline.

Fulgent Genetics
Classification: Likely benign for Neurodevelopmental disorder with or without anomalies of the brain, eye, or heart. Last evaluated: 2021-09-27. Review status: criteria provided, single submitter. Criteria: ACMG Guidelines, 2015. Collection method: clinical testing. Allele origin: unknown.

PreventionGenetics, part of Exact Sciences
Classification: Benign for RERE-related condition. Last evaluated: 2019-09-05. Review status: no assertion criteria provided. Collection method: clinical testing. Allele origin: germline. Not counted in ClinVar's aggregate classification.
Comment: This variant is classified as benign based on ACMG/AMP sequence variant interpretation guidelines (Richards et al. 2015 PMID: 25741868, with internal and published modifications).

NM_001042681.2(RERE):c.3570GGAGCG[4] (p.1192RE[6])

Gene: RERE (arginine-glutamic acid dipeptide repeats; minus strand). Cytogenetic location: 1p36.23.
Variant type: Microsatellite.
Coding change: c.3570GGAGCG[4] on transcript NM_001042681.2 (MANE Select); four copies in a row of the 6-base unit GGAGCG starting at c.3570; the reference has three copies in a row; one copy, 6 bases duplicated.
Protein change: p.1192RE[6].
Molecular consequence: inframe insertion.
Genome position (GRCh38, 1-based): chr1:8,359,795-8,359,800, CGCTCC duplicated on the plus strand (GGAGCG on the coding strand, the reverse complement: RERE is on the minus strand); duplicating any 6 consecutive bases within chr1:8,359,795-8,359,812 gives the same sequence; the position shown is the placement nearest the transcript's 3' end. VCF-style (leftmost placement, unchanged base first): chr1-8359794-T-TCGCTCC. GRCh37 (hg19) VCF-style: chr1-8419854-T-TCGCTCC.
Other names: c.1908GGAGCG[4], p.638RE[6] (NM_001042682.2); c.3570GGAGCG[4], p.1192RE[6] (NM_012102.4); c.3582_3587dup (NM_012102.4, NM_012102.3); c.3582_3587dup6 (NM_012102.3).
Identifiers: ClinVar variation 710835 (VCV000710835.37), dbSNP rs201570536, ClinGen allele CA571097.